The following is an entry in ClinVar:

ClinVar aggregate classification (germline): Conflicting classifications of pathogenicity. Review status: criteria provided, conflicting classifications (1 of 4 stars). 6 submissions from 6 submitters: Uncertain significance (1); Benign (1); Likely benign (4). Last evaluated 2024-12-26.

Conditions:
Hereditary nonpolyposis colorectal neoplasms. Identifiers: MedGen C0009405, MeSH D003123.
Hereditary cancer-predisposing syndrome. Also called: Hereditary neoplastic syndrome; Hereditary Cancer Syndrome; Tumor predisposition; Neoplastic Syndromes, Hereditary. Identifiers: Orphanet 140162, MedGen C0027672, MeSH D009386, MONDO:0015356.
Lynch syndrome 5 (LYNCH5). Also called: Colorectal cancer, hereditary nonpolyposis, type 5; Hereditary non-polyposis colorectal cancer, type 5. Identifiers: Orphanet 144, MedGen C1833477, MONDO:0013710, OMIM 614350. Disease mechanism: loss of function.

Allele frequency attached by ClinVar (database versions not stated): gnomAD exomes below 0.00001.
gnomAD v4.1: 1 of 1,614,034 alleles (0.000062%); highest among the groups gnomAD compares: Non-Finnish European, 0.000085%; no homozygotes.

Submissions (6):

Myriad Genetics, Inc.
Classification: Benign for Lynch syndrome 5. Last evaluated: 2024-12-26. Review status: criteria provided, single submitter. Criteria: Myriad Autosomal Dominant, Autosomal Recessive and X-Linked Classification Criteria (2023). Collection method: clinical testing. Allele origin: unknown.
Comment: This variant is considered benign. This variant is a silent/synonymous amino acid change and it is not expected to impact splicing.

Labcorp Genetics (formerly Invitae), Labcorp
Classification: Likely benign for Hereditary nonpolyposis colorectal neoplasms. Last evaluated: 2024-04-08. Review status: criteria provided, single submitter. Criteria: Invitae Variant Classification Sherloc (09022015). Collection method: clinical testing. Allele origin: germline.

Ambry Genetics
Classification: Likely benign for Hereditary cancer-predisposing syndrome. Last evaluated: 2020-09-23. Review status: criteria provided, single submitter. Criteria: Ambry Variant Classification Scheme 2023. Collection method: clinical testing. Allele origin: germline.

Color Diagnostics, LLC DBA Color Health
Classification: Likely benign for Hereditary cancer-predisposing syndrome. Last evaluated: 2020-01-15. Review status: criteria provided, single submitter. Criteria: ACMG Guidelines, 2015. Collection method: clinical testing. Allele origin: germline.

GeneDx
Classification: Likely benign. Last evaluated: 2018-10-22. Review status: criteria provided, single submitter. Criteria: GeneDx Variant Classification Process June 2021. Collection method: clinical testing. Allele origin: germline. Affected: yes.
Comment: This variant is associated with the following publications: (PMID: 30283497)

Quest Diagnostics Nichols Institute San Juan Capistrano
Classification: Uncertain significance. Last evaluated: 2017-06-13. Review status: criteria provided, single submitter. Criteria: Quest Diagnostics criteria. Collection method: clinical testing. Allele origin: germline.

NM_000179.3(MSH6):c.1281C>T (p.Tyr427=)

Gene: MSH6 (mutS homolog 6; plus strand). Cytogenetic location: 2p16.3.
Variant type: single nucleotide variant.
Coding change: c.1281C>T on transcript NM_000179.3 (MANE Select); coding-DNA position 1281, C replaced by T.
Protein change: p.Tyr427=; no amino-acid change (tyrosine 427 retained).
Molecular consequence: synonymous variant.
Genome position (GRCh38, 1-based): chr2:47,799,264, C>T. VCF-style: chr2-47799264-C-T. GRCh37 (hg19) VCF-style: chr2-48026403-C-T.
Other names: c.891C>T, p.Tyr297= (NM_001281492.2); c.375C>T, p.Tyr125= (NM_001281493.2, NM_001281494.2).
Identifiers: ClinVar variation 439200 (VCV000439200.14), dbSNP rs1553412720, ClinGen allele CA426120892.